The following is an entry in ClinVar:

ClinVar aggregate classification (germline): Uncertain significance. Review status: criteria provided, multiple submitters, no conflicts (2 of 4 stars). 2 submissions from 2 submitters: Uncertain significance (2). Last evaluated 2026-06-21.

Conditions:
CREBBP-related disorder. Also called: CREBBP-related condition; CREBBP-related disorders.

Submissions (2):

PreventionGenetics, part of Exact Sciences
Classification: Uncertain significance for CREBBP-related condition. Last evaluated: 2026-06-21. Review status: criteria provided, single submitter. Criteria: ACMG Guidelines, 2015. Collection method: clinical testing. Allele origin: germline.
Comment: The CREBBP c.6914T>G variant is predicted to result in the amino acid substitution p.Ile2305Ser. To our knowledge, this variant has not been reported in the literature or in a large population database (gnomAD), indicating this variant is rare. At this time, the clinical significance of this variant is uncertain due to the absence of conclusive functional and genetic evidence.

GeneDx
Classification: Uncertain significance. Last evaluated: 2026-02-06. Review status: criteria provided, single submitter. Criteria: GeneDx Variant Classification Process June 2021. Collection method: clinical testing. Allele origin: germline.
Comment: Not observed at significant frequency in large population cohorts (gnomAD); In silico analysis suggests that this missense variant does not alter protein structure/function; Has not been previously published as pathogenic or benign to our knowledge

NM_004380.3(CREBBP):c.6914T>G (p.Ile2305Ser)

Gene: CREBBP (CREB binding lysine acetyltransferase; minus strand). Cytogenetic location: 16p13.3.
Variant type: single nucleotide variant.
Coding change: c.6914T>G on transcript NM_004380.3 (MANE Select); coding-DNA position 6914, T replaced by G.
Protein change: p.Ile2305Ser; replaces isoleucine 2305 with serine.
Molecular consequence: missense variant.
Genome position (GRCh38, 1-based): chr16:3,728,133, A>C on the plus strand (T>G on the coding strand, the complement: CREBBP is on the minus strand). VCF-style: chr16-3728133-A-C. GRCh37 (hg19) VCF-style: chr16-3778134-A-C.
Other names: c.6800T>G, p.Ile2267Ser (NM_001079846.1); short protein forms I2267S, I2305S.
Identifiers: ClinVar variation 4976098 (VCV004976098.2).